The following is an entry in ClinVar:

NM_058246.4(DNAJB6):c.651A>T (p.Glu217Asp)

Gene: DNAJB6 (DnaJ heat shock protein family (Hsp40) member B6; plus strand). Cytogenetic location: 7q36.3.
Variant type: single nucleotide variant.
Coding change: c.651A>T on transcript NM_058246.4 (MANE Select); coding-DNA position 651, A replaced by T.
Protein change: p.Glu217Asp; replaces glutamic acid 217 with aspartic acid.
Molecular consequence: missense variant. On other transcripts: intron variant (1).
Genome position (GRCh38, 1-based): chr7:157,385,571, A>T. VCF-style: chr7-157385571-A-T. GRCh37 (hg19) VCF-style: chr7-157178265-A-T.
Other names: c.651A>T, p.Glu217Asp (NM_005494.3); c.346+18088A>T (NM_001363676.1); short protein forms E217D.
Identifiers: ClinVar variation 1059842 (VCV001059842.9), dbSNP rs2117093458, ClinGen allele CA370166959.
Genomic context (GRCh38, chr7:157,385,571, plus strand): 5'-AAGGTTTTTAAATGAATTTTTTTCCTACAGAATTGTCGAGAACGGTCAAGAAAGAGTAGA[A>T]GTTGAAGAAGATGGCCAGTTAAAGTCCTTAACAATAAATGGTAAGGAGCAGCTGCTGCGC-3'
Protein context (NP_490647.1, residues 207-227): RIVENGQERV[Glu217Asp]VEEDGQLKSL

ClinVar aggregate classification (germline): Uncertain significance (1 of 4 stars; one submission).

Conditions:
Autosomal dominant limb-girdle muscular dystrophy type 1D (DNAJB6) (LGMDD1). Also called: MUSCULAR DYSTROPHY, LIMB-GIRDLE, TYPE 1D; MUSCULAR DYSTROPHY, AUTOSOMAL DOMINANT, WITH RIMMED VACUOLES; Autosomal dominant limb-girdle muscular dystrophy type 1D; Muscular dystrophy, limb-girdle, autosomal dominant 1. Identifiers: Orphanet 34516, MedGen C4721885, MONDO:0021018, OMIM 603511.

Allele frequency attached by ClinVar (database versions not stated): gnomAD exomes below 0.00001.
gnomAD v4.1: 3 of 1,613,944 alleles (0.00019%); highest among the groups gnomAD compares: Non-Finnish European, 0.00025%; no homozygotes.

Submission:

Labcorp Genetics (formerly Invitae), Labcorp
Classification: Uncertain significance for Autosomal dominant limb-girdle muscular dystrophy type 1D (DNAJB6). Last evaluated: 2018-05-05. Review status: criteria provided, single submitter. Criteria: Invitae Variant Classification Sherloc (09022015). Collection method: clinical testing. Allele origin: germline.
Comment: This variant is not present in population databases (ExAC no frequency). This variant has not been reported in the literature in individuals with DNAJB6-related disease. Algorithms developed to predict the effect of missense changes on protein structure and function (SIFT, Align-GVGD) suggest that this variant is likely to be tolerated, but these predictions have not been confirmed by published functional studies and their clinical significance is uncertain. In summary, the available evidence is currently insufficient to determine the role of this variant in disease. Therefore, it has been classified as a Variant of Uncertain Significance. This sequence change replaces glutamic acid with aspartic acid at codon 217 of the DNAJB6 protein (p.Glu217Asp). The glutamic acid residue is moderately conserved and there is a small physicochemical difference between glutamic acid and aspartic acid.